The following is an entry in ClinVar:

ClinVar aggregate classification (germline): Uncertain significance. Review status: criteria provided, multiple submitters, no conflicts (2 of 4 stars). 2 submissions from 2 submitters: Uncertain significance (2). Last evaluated 2024-07-22.

Conditions:
NLGN3-related disorder. Also called: NLGN3-related condition.
Inborn genetic diseases. Identifiers: MedGen C0950123, MeSH D030342.

Allele frequency attached by ClinVar (database versions not stated): gnomAD exomes 0.00001; ExAC 0.00002; gnomAD 0.00002; TOPMed 0.00007.
gnomAD v4.1: 15 of 1,197,836 alleles (0.0013%); highest among the groups gnomAD compares: East Asian, 0.0091%; no homozygotes.

Submissions (2):

Ambry Genetics
Classification: Uncertain significance for Inborn genetic diseases. Last evaluated: 2024-07-22. Review status: criteria provided, single submitter. Criteria: Ambry Variant Classification Scheme 2023. Collection method: clinical testing. Allele origin: germline.

PreventionGenetics, part of Exact Sciences
Classification: Uncertain significance for NLGN3-related condition. Last evaluated: 2023-09-15. Review status: criteria provided, single submitter. Criteria: ACMG Guidelines, 2015. Collection method: clinical testing. Allele origin: germline.
Comment: The NLGN3 c.2294G>A variant is predicted to result in the amino acid substitution p.Arg765His. To our knowledge, this variant has not been reported in the literature. This variant is reported in 0.0083% of alleles in individuals of East Asian descent in gnomAD. At this time, the clinical significance of this variant is uncertain due to the absence of conclusive functional and genetic evidence.

NM_181303.2(NLGN3):c.2354G>A (p.Arg785His)

Gene: NLGN3 (neuroligin 3; plus strand). Cytogenetic location: Xq13.1.
Variant type: single nucleotide variant.
Coding change: c.2354G>A on transcript NM_181303.2 (MANE Select); coding-DNA position 2354, G replaced by A.
Protein change: p.Arg785His; replaces arginine 785 with histidine.
Molecular consequence: missense variant.
Genome position (GRCh38, 1-based): chrX:71,169,904, G>A. VCF-style: chrX-71169904-G-A. GRCh37 (hg19) VCF-style: chrX-70389754-G-A.
Other names: c.2234G>A, p.Arg745His (NM_001166660.2); c.1943G>A, p.Arg648His (NM_001321276.2); c.2294G>A, p.Arg765His (NM_018977.4); short protein forms R648H, R745H, R765H, R785H.
Identifiers: ClinVar variation 2635452 (VCV002635452.2), dbSNP rs754598273, ClinGen allele CA10445233.